The following is an entry in ClinVar:

NM_018931.3(PCDHB11):c.1596C>A (p.Gly532=)

Genes: PCDHB11 (protocadherin beta 11; plus strand), PCDHB@ (protocadherin beta cluster; plus strand). Cytogenetic location: 5q31.3.
Variant type: single nucleotide variant.
Coding change: c.1596C>A on transcript NM_018931.3 (MANE Select); coding-DNA position 1596, C replaced by A.
Protein change: p.Gly532=; no amino-acid change (glycine 532 retained).
Molecular consequence: synonymous variant.
Genome position (GRCh38, 1-based): chr5:141,201,370, C>A. VCF-style: chr5-141201370-C-A. GRCh37 (hg19) VCF-style: chr5-140580943-C-A.
Identifiers: ClinVar variation 2655831 (VCV002655831.24), dbSNP rs141725405, ClinGen allele CA3462630.

ClinVar aggregate classification (germline): Likely benign (1 of 4 stars; one submission).

Allele frequency attached by ClinVar (database versions not stated): 1000 Genomes Project 0.00180; 1000 Genomes Project 30x 0.00203; ESP Exome Variant Server 0.00384.
gnomAD v4.1: 748 of 1,612,714 alleles (0.046%); highest among the groups gnomAD compares: African/African-American, 0.88%; 1 homozygote.

Submission:

CeGaT Center for Human Genetics Tuebingen
Classification: Likely benign. Last evaluated: 2022-10-01. Review status: criteria provided, single submitter. Criteria: CeGaT Center For Human Genetics Tuebingen Variant Classification Criteria Version 2. Collection method: clinical testing. Allele origin: germline. Affected: yes. Observed: 1 variant allele.
Comment: PCDHB11: BP4, BP7